The following is an entry in ClinVar:

NM_000277.3(PAH):c.1101G>A (p.Leu367=)

Gene: PAH (phenylalanine hydroxylase; minus strand). Cytogenetic location: 12q23.2.
Variant type: single nucleotide variant.
Coding change: c.1101G>A on transcript NM_000277.3 (MANE Select); coding-DNA position 1101, G replaced by A.
Protein change: p.Leu367=; no amino-acid change (leucine 367 retained).
Molecular consequence: synonymous variant.
Genome position (GRCh38, 1-based): chr12:102,843,744, C>T on the plus strand (G>A on the coding strand, the complement: PAH is on the minus strand). VCF-style: chr12-102843744-C-T. GRCh37 (hg19) VCF-style: chr12-103237522-C-T.
Other names: NM_000277.2(PAH):c.1101G>A; c.1101G>A, p.Leu367= (NM_001354304.2).
Identifiers: ClinVar variation 102526 (VCV000102526.15), dbSNP rs62508648, ClinGen allele CA229346.
Genomic context (GRCh38, chr12:102,843,744, plus strand): 5'-GTAATAGAGGGGCTGGAACTCCGTGACAGTGTAATTTTGGATGGCTGTCTTCTCCAGCTC[C>T]AGGGGGAGAAGCTTTGGCTTCTCTGATAAGCAGTACTGTAGGCCCCAAGTGAAAAGTTAT-3'
Protein context (NP_000268.1, residues 357-377): CLSEKPKLLP[Leu367=]ELEKTAIQNY

ClinVar aggregate classification (germline): Uncertain significance. Review status: reviewed by expert panel (3 of 4 stars). 4 submissions from 4 submitters: Uncertain significance (1). 3 of the submissions do not count toward it. Last evaluated 2023-07-23.

Conditions:
Phenylketonuria (PKU). Also called: Phenylketonuria (PKU); FOLLING DISEASE; OLIGOPHRENIA PHENYLPYRUVICA; Phenylketonurias. Identifiers: Orphanet 716, MedGen C0031485, MONDO:0009861, OMIM 261600. Disease mechanism: loss of function.

Allele frequency attached by ClinVar (database versions not stated): gnomAD 0.00001; TOPMed 0.00001.
gnomAD v4.1: 1 of 1,613,498 alleles (0.000062%); highest among the groups gnomAD compares: African/African-American, 0.0013%; no homozygotes.

Submissions (4):

ClinGen PAH Variant Curation Expert Panel
Classification: Uncertain significance for Phenylketonuria. Last evaluated: 2023-07-23. Review status: reviewed by expert panel. Criteria: ClinGen PAH ACMG Specifications v1. Collection method: curation. Allele origin: germline. Inheritance: Autosomal recessive inheritance.
Comment: The c.1101G>A (p.Leu367=) variant in PAH is reported in an individual with Classic PKU, in trans with p.R243Q. (PMID: 16256386) This variant is absent in population databases. Two splicing algorthms predict a deleterious effect (Human splicing finder: potential alteration of splicing; MaxEnt scan: +571.94% Variation). In summary, this variant meets criteria to be classified as uncertain significance for PAH. PAH-specific ACMG/AMP criteria applied: PM2_supporting, PM3, PP4, PP3.

GeneDx
Classification: Uncertain significance. Last evaluated: 2019-10-28. Review status: criteria provided, single submitter. Criteria: GeneDx Variant Classification Process June 2021. Collection method: clinical testing. Allele origin: germline. Affected: yes. Not counted in ClinVar's aggregate classification.
Comment: Not observed in large population cohorts (Lek et al., 2016); Nucleotide substitution has no predicted effect on splicing and is not conserved across species; This variant is associated with the following publications: (PMID: 16256386, 32668217)

Labcorp Genetics (formerly Invitae), Labcorp
Classification: Likely benign for Phenylketonuria. Last evaluated: 2018-09-04. Review status: criteria provided, single submitter. Criteria: Invitae Variant Classification Sherloc (09022015). Collection method: clinical testing. Allele origin: germline. Not counted in ClinVar's aggregate classification.

DeBelle Laboratory for Biochemical Genetics, MUHC/MCH RESEARCH INSTITUTE
No classification provided. Review status: no classification provided. Collection method: not provided. Allele origin: not provided. Not counted in ClinVar's aggregate classification.